The following is an entry in ClinVar:

NC_000005.9:g.(?_89947461)_(89965346_?)del

Gene: ADGRV1 (adhesion G protein-coupled receptor V1; plus strand). Cytogenetic location: 5q14.3.
Variant type: Deletion.
Identifiers: ClinVar variation 3246559 (VCV003246559.1).

ClinVar aggregate classification (germline): Likely pathogenic (1 of 4 stars; one submission).

Submission:

Labcorp Genetics (formerly Invitae), Labcorp
Classification: Likely pathogenic. Last evaluated: 2020-02-01. Review status: criteria provided, single submitter. Criteria: Invitae Variant Classification Sherloc (09022015). Collection method: clinical testing. Allele origin: unknown.
Comment: In summary, the currently available evidence indicates that the variant is pathogenic, but additional data are needed to prove that conclusively. Therefore, this variant has been classified as Likely Pathogenic. Loss-of-function variants in ADGRV1 are known to be pathogenic (PMID: 19357117, 22135276, 22147658). This variant has not been reported in the literature in individuals with ADGRV1-related conditions. This variant results in the deletion of part of exon 18 and exons 19-21 (c.3330_4753-3017del) of the ADGRV1 gene. It is expected to disrupt RNA splicing and likely results in an absent or disrupted protein product.

Literature cited by the submitters: PubMed 19357117; PubMed 22135276; PubMed 22147658.